The following is an entry in ClinVar:

ClinVar aggregate classification (germline): Benign. Review status: criteria provided, multiple submitters, no conflicts (2 of 4 stars). 3 submissions from 2 submitters: Benign (3). Last evaluated 2021-05-14.

Conditions:
Susceptibility to mononeuropathy of the median nerve, mild. Also called: CARPAL TUNNEL SYNDROME, SUSCEPTIBILITY TO. Identifiers: MedGen C3150596, MONDO:0013237, OMIM 613353.
Charcot-Marie-Tooth disease type 4C (CMT4C). Also called: CHARCOT-MARIE-TOOTH DISEASE, DEMYELINATING, AUTOSOMAL RECESSIVE, TYPE 4C; CMT 4C; Charcot-Marie-Tooth Neuropathy Type 4C (CMT4C); CHARCOT-MARIE-TOOTH DISEASE, DEMYELINATING, TYPE 4C; SH3TC2-Related Hereditary Motor and Sensory Neuropathy. Identifiers: Orphanet 99949, MedGen C1866636, MONDO:0011113, OMIM 601596.

Allele frequency attached by ClinVar (database versions not stated): gnomAD 0.97931 and 0.98002; TOPMed 0.98016; 1000 Genomes Project 30x 0.99016; 1000 Genomes Project 0.99042.

Submissions (3):

GeneDx
Classification: Benign. Last evaluated: 2021-05-14. Review status: criteria provided, single submitter. Criteria: GeneDx Variant Classification Process June 2021. Collection method: clinical testing. Allele origin: germline. Affected: yes.

Illumina Laboratory Services, Illumina
Classification: Benign for Charcot-Marie-Tooth disease type 4C. Last evaluated: 2018-01-13. Review status: criteria provided, single submitter. Criteria: ICSL Variant Classification Criteria 13 December 2019. Collection method: clinical testing. Allele origin: germline.
Comment: This variant was observed in the ICSL laboratory as part of a predisposition screen in an ostensibly healthy population. It had not been previously curated by ICSL or reported in the Human Gene Mutation Database (HGMD: prior to June 1st, 2018), and was therefore a candidate for classification through an automated scoring system. Utilizing variant allele frequency, disease prevalence and penetrance estimates, and inheritance mode, an automated score was calculated to assess if this variant is too frequent to cause the disease. Based on the score and internal cut-off values, a variant classified as benign is not then subjected to further curation. The score for this variant resulted in a classification of benign for this disease.

Illumina Laboratory Services, Illumina
Classification: Benign for Susceptibility to mononeuropathy of the median nerve, mild. Last evaluated: 2018-01-13. Review status: criteria provided, single submitter. Criteria: ICSL Variant Classification Criteria 13 December 2019. Collection method: clinical testing. Allele origin: germline.
Comment: the same text as in the submission from Illumina Laboratory Services, Illumina above.

NM_024577.4(SH3TC2):c.*3136G>A

Gene: SH3TC2 (SH3 domain and tetratricopeptide repeats 2; minus strand). Cytogenetic location: 5q32.
Variant type: single nucleotide variant.
Coding change: c.*3136G>A on transcript NM_024577.4 (MANE Select); 3136 bases downstream of the stop codon, G replaced by A.
Molecular consequence: 3 prime UTR variant.
Genome position (GRCh38, 1-based): chr5:149,001,575, C>T on the plus strand (G>A on the coding strand, the complement: SH3TC2 is on the minus strand). VCF-style: chr5-149001575-C-T. GRCh37 (hg19) VCF-style: chr5-148381138-C-T.
Identifiers: ClinVar variation 351841 (VCV000351841.7), dbSNP rs1019927, ClinGen allele CA10623487.